The following is an entry in ClinVar:

NM_006158.5(NEFL):c.1560C>A (p.Thr520=)

Gene: NEFL (neurofilament light chain; minus strand). Cytogenetic location: 8p21.2.
Variant type: single nucleotide variant.
Coding change: c.1560C>A on transcript NM_006158.5 (MANE Select); coding-DNA position 1560, C replaced by A.
Protein change: p.Thr520=; no amino-acid change (threonine 520 retained).
Molecular consequence: synonymous variant.
Genome position (GRCh38, 1-based): chr8:24,952,882, G>T on the plus strand (C>A on the coding strand, the complement: NEFL is on the minus strand). VCF-style: chr8-24952882-G-T. GRCh37 (hg19) VCF-style: chr8-24810395-G-T.
Other names: p.Thr520=.
Identifiers: ClinVar variation 66679 (VCV000066679.14), dbSNP rs267607677, ClinGen allele CA217510.

ClinVar aggregate classification (germline): Benign/Likely benign. Review status: criteria provided, multiple submitters, no conflicts (2 of 4 stars). 5 submissions from 5 submitters: Benign (1); Likely benign (3). 1 of the submissions does not count toward it. Last evaluated 2025-12-29.

Conditions:
NEFL-related disorder. Also called: NEFL-related condition.
Charcot-Marie-Tooth disease type 2E (CMT2E). Also called: CHARCOT-MARIE-TOOTH DISEASE, AXONAL, TYPE 2E; CHARCOT-MARIE-TOOTH NEUROPATHY, TYPE 2E. Identifiers: Orphanet 99939, MedGen C1843225, MONDO:0011894, OMIM 607684.

Allele frequency attached by ClinVar (database versions not stated): gnomAD 0.00010; 1000 Genomes Project 30x 0.00016; TOPMed 0.00018; 1000 Genomes Project 0.00020; ExAC 0.00031.

Submissions (5):

PreventionGenetics, part of Exact Sciences
Classification: Likely benign for NEFL-related condition. Last evaluated: 2025-12-29. Review status: criteria provided, single submitter. Criteria: ACMG Guidelines, 2015. Collection method: clinical testing. Allele origin: germline.
Comment: This variant is classified as likely benign based on ACMG/AMP sequence variant interpretation guidelines (Richards et al. 2015 PMID: 25741868, with internal and published modifications).

Labcorp Genetics (formerly Invitae), Labcorp
Classification: Benign for Charcot-Marie-Tooth disease type 2E. Last evaluated: 2025-09-12. Review status: criteria provided, single submitter. Criteria: Invitae Variant Classification Sherloc (09022015). Collection method: clinical testing. Allele origin: germline.

Mayo Clinic Laboratories, Mayo Clinic
Classification: Likely benign. Last evaluated: 2025-07-17. Review status: criteria provided, single submitter. Criteria: ACMG Guidelines, 2015. Collection method: clinical testing. Allele origin: germline. Observed: 1 variant allele.
Comment: BS1, BP4, BP7

Blueprint Genetics
Classification: Likely benign. Last evaluated: 2024-06-06. Review status: criteria provided, single submitter. Criteria: ACMG Guidelines, 2015. Collection method: clinical testing. Allele origin: germline.

Epithelial Biology;  Institute of Medical Biology, Singapore
No classification provided. Review status: no classification provided. Collection method: not provided. Allele origin: not provided. Not counted in ClinVar's aggregate classification.